The following is an entry in ClinVar:

NM_001243133.2(NLRP3):c.77A>T (p.His26Leu)

Gene: NLRP3 (NLR family pyrin domain containing 3; plus strand). Cytogenetic location: 1q44.
Variant type: single nucleotide variant.
Coding change: c.77A>T on transcript NM_001243133.2 (MANE Select); coding-DNA position 77, A replaced by T.
Protein change: p.His26Leu; replaces histidine 26 with leucine.
Molecular consequence: missense variant.
Genome position (GRCh38, 1-based): chr1:247,418,877, A>T. VCF-style: chr1-247418877-A-T. GRCh37 (hg19) VCF-style: chr1-247582179-A-T.
Other names: c.77A>T, p.His26Leu (NM_001079821.3, NM_001127461.3, NM_001127462.3 and 1 more transcripts); c.83A>T, p.His28Leu (NM_004895.5); short protein forms H28L, H26L.
Identifiers: ClinVar variation 3714659 (VCV003714659.5).

ClinVar aggregate classification (germline): Uncertain significance. Review status: criteria provided, multiple submitters, no conflicts (2 of 4 stars). 3 submissions from 3 submitters: Uncertain significance (3). Last evaluated 2026-08-31.

Conditions:
Cryopyrin associated periodic syndrome (CAPS). Identifiers: Orphanet 208650, MedGen C2316212, MONDO:0016168.

Submissions (3):

GeneDx
Classification: Uncertain significance. Last evaluated: 2026-08-31. Review status: criteria provided, single submitter. Criteria: GeneDx Variant Classification Process June 2021. Collection method: clinical testing. Allele origin: germline.
Comment: Not observed at significant frequency in large population cohorts (gnomAD); In silico analysis suggests that this missense variant does not alter protein structure/function; Has not been previously published as pathogenic or benign to our knowledge; Also known as H26L

Labcorp Genetics (formerly Invitae), Labcorp
Classification: Uncertain significance for Cryopyrin associated periodic syndrome. Last evaluated: 2024-06-25. Review status: criteria provided, single submitter. Criteria: Invitae Variant Classification Sherloc (09022015). Collection method: clinical testing. Allele origin: germline.
Comment: This sequence change replaces histidine, which is basic and polar, with leucine, which is neutral and non-polar, at codon 28 of the NLRP3 protein (p.His28Leu). This variant is not present in population databases (gnomAD no frequency). This variant has not been reported in the literature in individuals affected with NLRP3-related conditions. Advanced modeling of protein sequence and biophysical properties (such as structural, functional, and spatial information, amino acid conservation, physicochemical variation, residue mobility, and thermodynamic stability) performed at Invitae indicates that this missense variant is not expected to disrupt NLRP3 protein function with a negative predictive value of 95%. In summary, the available evidence is currently insufficient to determine the role of this variant in disease. Therefore, it has been classified as a Variant of Uncertain Significance.

Blueprint Genetics
Classification: Uncertain significance. Last evaluated: 2021-03-12. Review status: criteria provided, single submitter. Criteria: ACMG Guidelines, 2015. Collection method: clinical testing. Allele origin: germline.